The following is an entry in ClinVar:

NM_001360.3(DHCR7):c.986C>T (p.Pro329Leu)

Gene: DHCR7 (7-dehydrocholesterol reductase; minus strand). Cytogenetic location: 11q13.4.
Variant type: single nucleotide variant.
Coding change: c.986C>T on transcript NM_001360.3 (MANE Select); coding-DNA position 986, C replaced by T.
Protein change: p.Pro329Leu; replaces proline 329 with leucine.
Molecular consequence: missense variant.
Genome position (GRCh38, 1-based): chr11:71,435,817, G>A on the plus strand (C>T on the coding strand, the complement: DHCR7 is on the minus strand). VCF-style: chr11-71435817-G-A. GRCh37 (hg19) VCF-style: chr11-71146863-G-A.
Other names: c.986C>T, p.Pro329Leu (NM_001163817.2, NM_001425109.1, NM_001425110.1 and 1 more transcripts); c.1037C>T, p.Pro346Leu (NM_001425107.1); c.1022C>T, p.Pro341Leu (NM_001425108.1); c.1120C>T, p.Pro374Ser (NM_001425112.1); c.926C>T, p.Pro309Leu (NM_001425113.1); c.890C>T, p.Pro297Leu (NM_001425114.1); c.1024C>T, p.Pro342Ser (NM_001425116.1); c.812C>T, p.Pro271Leu (NM_001425117.1); and 1 more; short protein forms P271L, P297L, P309L, P342S, P346L, P341L, P329L, P374S.
Identifiers: ClinVar variation 2735694 (VCV002735694.3), dbSNP rs2539210698, ClinGen allele CA381702529.

ClinVar aggregate classification (germline): Pathogenic (1 of 4 stars; one submission).

Conditions:
Smith-Lemli-Opitz syndrome (SLOS). Also called: 7-Dehydrocholesterol reductase deficiency; LETHAL ACRODYSGENITAL SYNDROME; POLYDACTYLY, SEX REVERSAL, RENAL HYPOPLASIA, AND UNILOBAR LUNG; RSH SYNDROME; RUTLEDGE LETHAL MULTIPLE CONGENITAL ANOMALY SYNDROME. Identifiers: Orphanet 818, MedGen C0175694, MONDO:0010035, OMIM 270400.

Submission:

Labcorp Genetics (formerly Invitae), Labcorp
Classification: Pathogenic for Smith-Lemli-Opitz syndrome. Last evaluated: 2023-06-14. Review status: criteria provided, single submitter. Criteria: Invitae Variant Classification Sherloc (09022015). Collection method: clinical testing. Allele origin: germline.
Comment: This sequence change replaces proline, which is neutral and non-polar, with leucine, which is neutral and non-polar, at codon 329 of the DHCR7 protein (p.Pro329Leu). For these reasons, this variant has been classified as Pathogenic. Advanced modeling of protein sequence and biophysical properties (such as structural, functional, and spatial information, amino acid conservation, physicochemical variation, residue mobility, and thermodynamic stability) performed at Invitae indicates that this missense variant is expected to disrupt DHCR7 protein function. This missense change has been observed in individual(s) with Smith-Lemli-Opitz syndrome (PMID: 10748414). In at least one individual the data is consistent with being in trans (on the opposite chromosome) from a pathogenic variant. This variant is not present in population databases (gnomAD no frequency).

Literature cited by the submitters: PubMed 10748414.